The following is an entry in ClinVar:

ClinVar aggregate classification (germline): Pathogenic/Likely pathogenic. Review status: criteria provided, multiple submitters, no conflicts (2 of 4 stars). 2 submissions from 2 submitters: Pathogenic (1); Likely pathogenic (1). Last evaluated 2025-11-13.

Conditions:
Fanconi anemia (FA). Also called: Fanconi's anemia. Identifiers: Orphanet 84, MedGen C0015625, MeSH D005199, MONDO:0019391.
Fanconi anemia complementation group D2. Also called: FANCD2-Related Fanconi Anemia; FANCONI PANCYTOPENIA, TYPE 4; FANCONI ANEMIA, COMPLEMENTATION GROUP D. Identifiers: Orphanet 84, MedGen C3160738, MONDO:0009214, OMIM 227646.

Submissions (2):

Labcorp Genetics (formerly Invitae), Labcorp
Classification: Pathogenic for Fanconi anemia. Last evaluated: 2025-11-13. Review status: criteria provided, single submitter. Criteria: Invitae Variant Classification Sherloc (09022015). Collection method: clinical testing. Allele origin: germline.
Comment: This sequence change creates a premature translational stop signal (p.Tyr684*) in the FANCD2 gene. It is expected to result in an absent or disrupted protein product. Loss-of-function variants in FANCD2 are known to be pathogenic (PMID: 17436244). This variant is not present in population databases (gnomAD no frequency). This variant has not been reported in the literature in individuals affected with FANCD2-related conditions. ClinVar contains an entry for this variant (Variation ID: 2675513). For these reasons, this variant has been classified as Pathogenic.

Baylor Genetics
Classification: Likely pathogenic for Fanconi anemia complementation group D2. Last evaluated: 2023-02-03. Review status: criteria provided, single submitter. Criteria: ACMG Guidelines, 2015. Collection method: clinical testing. Allele origin: unknown.

Literature cited by the submitters: PubMed 17436244 (cited by Labcorp Genetics (formerly Invitae), Labcorp).

NM_001018115.3(FANCD2):c.2052C>A (p.Tyr684Ter)

Genes: FANCD2 (FA complementation group D2; plus strand), LOC107303338 (3p25 FANCD2 Alu-mediated recombination region; plus strand). Cytogenetic location: 3p25.3.
Variant type: single nucleotide variant.
Coding change: c.2052C>A on transcript NM_001018115.3 (MANE Select); coding-DNA position 2052, C replaced by A.
Protein change: p.Tyr684Ter; replaces tyrosine 684 with a stop codon.
Molecular consequence: nonsense.
Genome position (GRCh38, 1-based): chr3:10,064,759, C>A. VCF-style: chr3-10064759-C-A. GRCh37 (hg19) VCF-style: chr3-10106443-C-A.
Other names: c.2052C>A, p.Tyr684Ter (NM_001319984.2, NM_001374254.1, NM_033084.6); c.1941C>A, p.Tyr647Ter (NM_001374253.1); short protein forms Y647*, Y684*.
Identifiers: ClinVar variation 2675513 (VCV002675513.2), dbSNP rs776906387, ClinGen allele CA351732995.